The following is an entry in ClinVar:

ClinVar aggregate classification (germline): Uncertain significance (1 of 4 stars; one submission).

Conditions:
Atrial fibrillation, familial, 7 (ATFB7). Identifiers: MedGen C2677106, MONDO:0012828, OMIM 612240.

Submission:

Labcorp Genetics (formerly Invitae), Labcorp
Classification: Uncertain significance for Atrial fibrillation, familial, 7. Last evaluated: 2022-10-08. Review status: criteria provided, single submitter. Criteria: Invitae Variant Classification Sherloc (09022015). Collection method: clinical testing. Allele origin: germline.
Comment: This sequence change replaces alanine, which is neutral and non-polar, with glutamic acid, which is acidic and polar, at codon 287 of the KCNA5 protein (p.Ala287Glu). This variant is not present in population databases (gnomAD no frequency). This variant has not been reported in the literature in individuals affected with KCNA5-related conditions. Algorithms developed to predict the effect of missense changes on protein structure and function (SIFT, PolyPhen-2, Align-GVGD) all suggest that this variant is likely to be tolerated. In summary, the available evidence is currently insufficient to determine the role of this variant in disease. Therefore, it has been classified as a Variant of Uncertain Significance.

NM_002234.4(KCNA5):c.860C>A (p.Ala287Glu)

Gene: KCNA5 (potassium voltage-gated channel subfamily A member 5; plus strand). Cytogenetic location: 12p13.32.
Variant type: single nucleotide variant.
Coding change: c.860C>A on transcript NM_002234.4 (MANE Select); coding-DNA position 860, C replaced by A.
Protein change: p.Ala287Glu; replaces alanine 287 with glutamic acid.
Molecular consequence: missense variant.
Genome position (GRCh38, 1-based): chr12:5,045,007, C>A. VCF-style: chr12-5045007-C-A. GRCh37 (hg19) VCF-style: chr12-5154173-C-A.
Other names: short protein forms A287E.
Identifiers: ClinVar variation 2144001 (VCV002144001.4), dbSNP rs144246051, ClinGen allele CA383465304.
Genomic context (GRCh38, chr12:5,045,007, plus strand): 5'-TCTGCTTGGAGACCCTGCCTGAGTTCAGGGATGAACGTGAGCTGCTCCGCCACCCTCCGG[C>A]GCCCCACCAGCCTCCCGCGCCCGCCCCTGGGGCCAACGGCAGCGGGGTCATGGCCCCGCC-3'
Protein context (NP_002225.2, residues 277-297): DERELLRHPP[Ala287Glu]PHQPPAPAPG